The following is an entry in ClinVar:

ClinVar aggregate classification (germline): Uncertain significance (1 of 4 stars; one submission).

Conditions:
Autosomal recessive spinocerebellar ataxia 15. Also called: SALIH ATAXIA. Identifiers: Orphanet 404499, MedGen C3810326, MONDO:0014311, OMIM 615705.

Allele frequency attached by ClinVar (database versions not stated): gnomAD exomes below 0.00001.
gnomAD v4.1: 1 of 1,527,092 alleles (0.000065%); highest among the groups gnomAD compares: Non-Finnish European, 0.000091%; no homozygotes.

Submission:

Dr. med. U. Finckh, Human Genetics, Eurofins MVZ
Classification: Uncertain significance for Autosomal recessive spinocerebellar ataxia 15. Review status: criteria provided, single submitter. Criteria: ACMG Guidelines, 2015. Collection method: clinical testing. Allele origin: unknown.
Comment: Epilepsy has been described to be a feature in SCAR15 (altogether being poorly characterized), the variant is predicted to disrupt the adjacent splice acceptor site and the second variant has been submitted as pathogenic in ClinVar once. However, evidence for RUBCN variants causing SCAR15 is still limited, the splice site prediction shows low reference values (making it less trustable) and the second variant has been submitted as uncertain twice.

NM_014687.4(RUBCN):c.1262-1G>C

Gene: RUBCN (rubicon autophagy regulator; minus strand). Cytogenetic location: 3q29.
Variant type: single nucleotide variant.
Coding change: c.1262-1G>C on transcript NM_014687.4 (MANE Select); the canonical splice acceptor site of the intron before coding-DNA position 1262, G replaced by C.
Molecular consequence: splice acceptor variant.
Genome position (GRCh38, 1-based): chr3:197,697,050, C>G on the plus strand (G>C on the coding strand, the complement: RUBCN is on the minus strand). VCF-style: chr3-197697050-C-G. GRCh37 (hg19) VCF-style: chr3-197423921-C-G.
Other names: c.1127-1G>C (NM_001145642.5); c.1307-1G>C (NM_001346873.2).
Identifiers: ClinVar variation 2505573 (VCV002505573.1), dbSNP rs2474251077, ClinGen allele CA355662292.